The following is an entry in ClinVar:

NM_004553.6(NDUFS6):c.187-84C>T

Gene: NDUFS6 (NADH:ubiquinone oxidoreductase subunit S6; plus strand). Cytogenetic location: 5p15.33.
Variant type: single nucleotide variant.
Coding change: c.187-84C>T on transcript NM_004553.6 (MANE Select); 84 bases into the intron before coding-DNA position 187, C replaced by T.
Molecular consequence: intron variant.
Genome position (GRCh38, 1-based): chr5:1,814,255, C>T. VCF-style: chr5-1814255-C-T. GRCh37 (hg19) VCF-style: chr5-1814369-C-T.
Identifiers: ClinVar variation 676158 (VCV000676158.5), dbSNP rs3752844, ClinGen allele CA15367167.
Genomic context (GRCh38, chr5:1,814,255, plus strand): 5'-ATAAGGTCTACAATGATAATAGTTAAATGAAGCATGCACCATAGATTCGTGCTGATGGTA[C>T]ATGAATTTGTGTGTGGTGGGTTAAATTGTATGTAGTTAGCAAGTTTGTGTATTTGTTTAC-3'

ClinVar aggregate classification (germline): Benign. Review status: criteria provided, multiple submitters, no conflicts (2 of 4 stars). 3 submissions from 3 submitters: Benign (3). Last evaluated 2021-07-10.

Conditions:
Mitochondrial complex I deficiency, nuclear type 9. Also called: Mitochondrial complex 1 deficiency, nuclear type 9. Identifiers: MedGen C4748767, MONDO:0032615, OMIM 618232.

Allele frequency attached by ClinVar (database versions not stated): gnomAD 0.24914 and 0.25262; TOPMed 0.25040; 1000 Genomes Project 0.23423; 1000 Genomes Project 30x 0.23844.
gnomAD v4.1: 382,944 of 1,574,044 alleles (24%); highest among the groups gnomAD compares: Admixed American, 31%; 47,868 homozygotes.

Submissions (3):

Genome-Nilou Lab
Classification: Benign for Mitochondrial complex I deficiency, nuclear type 9. Last evaluated: 2021-07-10. Review status: criteria provided, single submitter. Criteria: ACMG Guidelines, 2015. Collection method: clinical testing. Allele origin: germline. Affected: no.

GeneDx
Classification: Benign. Last evaluated: 2018-06-14. Review status: criteria provided, single submitter. Criteria: GeneDx Variant Classification (06012015). Collection method: clinical testing. Allele origin: germline. Affected: yes.
Comment: This variant is considered likely benign or benign based on one or more of the following criteria: it is a conservative change, it occurs at a poorly conserved position in the protein, it is predicted to be benign by multiple in silico algorithms, and/or has population frequency not consistent with disease.

Breakthrough Genomics
Classification: Benign. Review status: criteria provided, single submitter. Criteria: ACMG Guidelines, 2015. Collection method: not provided. Allele origin: germline. Inheritance: Autosomal recessive inheritance. Affected: yes.